The following is an entry in ClinVar:

NM_006757.4(TNNT3):c.187C>A (p.Arg63Ser)

Gene: TNNT3 (troponin T3, fast skeletal type; plus strand). Cytogenetic location: 11p15.5.
Variant type: single nucleotide variant.
Coding change: c.187C>A on transcript NM_006757.4 (MANE Select); coding-DNA position 187, C replaced by A.
Protein change: p.Arg63Ser; replaces arginine 63 with serine.
Molecular consequence: missense variant. On other transcripts: 5 prime UTR variant (2).
Genome position (GRCh38, 1-based): chr11:1,933,736, C>A. VCF-style: chr11-1933736-C-A. GRCh37 (hg19) VCF-style: chr11-1954966-C-A.
Other names: c.163C>A, p.Arg55Ser (NM_001042780.3, NM_001042782.3, NM_001297646.2 and 2 more transcripts); c.181C>A, p.Arg61Ser (NM_001042781.3, NM_001367842.1, NM_001367843.1); c.196C>A, p.Arg66Ser (NM_001363561.2, NM_001367847.1); c.220C>A, p.Arg74Ser (NM_001367846.1); c.184C>A, p.Arg62Ser (NM_001367848.1); c.175C>A, p.Arg59Ser (NM_001367849.1); c.130C>A, p.Arg44Ser (NM_001367850.1); c.-18C>A (NM_001367851.1, NM_001367852.1); short protein forms R44S, R55S, R59S, R61S, R62S, R63S, R66S, R74S.
Identifiers: ClinVar variation 1172549 (VCV001172549.1), dbSNP rs199474721, ClinGen allele CA379096472.
Genomic context (GRCh38, chr11:1,933,736, plus strand): 5'-GTTGGAGAGAGGGGTGGGGCTCACACCCACTGCCCCTGCCCACAGGACATCCAGAAGAAG[C>A]GTCAGAACAAAGACCTAATGGAGCTCCAGGCCCTCATCGACAGCCACTTTGAAGCCCGGA-3'
Protein context (NP_006748.1, residues 53-73): KVDFDDIQKK[Arg63Ser]QNKDLMELQA

ClinVar aggregate classification (germline): Likely pathogenic (1 of 4 stars; one submission).

Conditions:
Arthrogryposis, distal, type 2B2. Identifiers: MedGen C5193097, MONDO:0032750, OMIM 618435.

Submission:

HudsonAlpha Institute for Biotechnology
Classification: Likely pathogenic for Arthrogryposis, distal, type 2B2. Last evaluated: 2021-06-07. Review status: criteria provided, single submitter. Criteria: ACMG Guidelines, 2015. Collection method: research. Allele origin: de novo. Affected: yes. Observed: 1 variant allele. Study: CSER-SouthSeq.
Comment: ACMG codes:PS2; PM2; PM5; PP3